The following is an entry in ClinVar:

NM_000070.3(CAPN3):c.1915-3C>T

Gene: CAPN3 (calpain 3; plus strand). Cytogenetic location: 15q15.1.
Variant type: single nucleotide variant.
Coding change: c.1915-3C>T on transcript NM_000070.3 (MANE Select); 3 bases into the intron before coding-DNA position 1915, C replaced by T.
Molecular consequence: intron variant.
Genome position (GRCh38, 1-based): chr15:42,409,300, C>T. VCF-style: chr15-42409300-C-T. GRCh37 (hg19) VCF-style: chr15-42701498-C-T.
Other names: c.1897-3C>T (NM_024344.2); c.1639-3C>T (NM_173087.2); c.379-3C>T (NM_173088.2); c.-81-3C>T (NM_173090.2, NM_173089.2).
Identifiers: ClinVar variation 1979614 (VCV001979614.2), dbSNP rs995681891, ClinGen allele CA269851752.

ClinVar aggregate classification (germline): Uncertain significance (1 of 4 stars; one submission).

Conditions:
Autosomal recessive limb-girdle muscular dystrophy type 2A (LGMDR1). Also called: Limb-girdle muscular dystrophy, type 2A; Calpainopathy; LEYDEN-MOEBIUS MUSCULAR DYSTROPHY; MUSCULAR DYSTROPHY, PELVOFEMORAL; Muscular dystrophy, limb-girdle, type 2A, Amish. Identifiers: Orphanet 267, MedGen C1869123, MONDO:0009675, OMIM 253600. Disease mechanism: loss of function.

Allele frequency attached by ClinVar (database versions not stated): gnomAD exomes below 0.00001; TOPMed 0.00002.
gnomAD v4.1: 2 of 1,614,096 alleles (0.00012%); highest among the groups gnomAD compares: African/African-American, 0.0013%; no homozygotes.

Submission:

Labcorp Genetics (formerly Invitae), Labcorp
Classification: Uncertain significance for Autosomal recessive limb-girdle muscular dystrophy type 2A. Last evaluated: 2025-09-15. Review status: criteria provided, single submitter. Criteria: Invitae Variant Classification Sherloc (09022015). Collection method: clinical testing. Allele origin: germline.
Comment: This sequence change falls in intron 16 of the CAPN3 gene. It does not directly change the encoded amino acid sequence of the CAPN3 protein. It affects a nucleotide within the consensus splice site. This variant is not present in population databases (gnomAD no frequency). This variant has not been reported in the literature in individuals affected with CAPN3-related conditions. ClinVar contains an entry for this variant (Variation ID: 1979614). Variants that disrupt the consensus splice site are a relatively common cause of aberrant splicing (PMID: 17576681, 9536098). Algorithms developed to predict the effect of sequence changes on RNA splicing suggest that this variant is not likely to affect RNA splicing. In summary, the available evidence is currently insufficient to determine the role of this variant in disease. Therefore, it has been classified as a Variant of Uncertain Significance.

Literature cited by the submitters: PubMed 17576681; PubMed 9536098.